The following is an entry in ClinVar:

ClinVar aggregate classification (germline): Benign/Likely benign. Review status: criteria provided, multiple submitters, no conflicts (2 of 4 stars). 4 submissions from 4 submitters: Benign (2); Likely benign (1). 1 of the submissions does not count toward it. Last evaluated 2026-01-28.

Conditions:
Hermansky-Pudlak syndrome (HPS). Also called: ALBINISM WITH HEMORRHAGIC DIATHESIS AND PIGMENTED RETICULOENDOTHELIAL CELLS. Identifiers: Orphanet 79430, MedGen C0079504, MONDO:0019312.
Hermansky-Pudlak syndrome 3 (HPS3). Identifiers: Orphanet 231512, Orphanet 79430, MedGen C3888001, MONDO:0013555, OMIM 614072.

Allele frequency attached by ClinVar (database versions not stated): gnomAD 0.00028 and 0.00038; TOPMed 0.00056; ExAC 0.00087; gnomAD exomes 0.00102 and 0.00027; 1000 Genomes Project 30x 0.00156; 1000 Genomes Project 0.00180; ESP Exome Variant Server 0.00008.
gnomAD v4.1: 458 of 1,614,000 alleles (0.028%); highest among the groups gnomAD compares: East Asian, 0.97%; 4 homozygotes.

Submissions (4):

Labcorp Genetics (formerly Invitae), Labcorp
Classification: Benign. Last evaluated: 2026-01-28. Review status: criteria provided, single submitter. Criteria: Invitae Variant Classification Sherloc (09022015). Collection method: clinical testing. Allele origin: germline.

Blueprint Genetics
Classification: Likely benign. Last evaluated: 2024-11-26. Review status: criteria provided, single submitter. Criteria: ACMG Guidelines, 2015. Collection method: clinical testing. Allele origin: germline.

Illumina Laboratory Services, Illumina
Classification: Benign for Hermansky-Pudlak syndrome 3. Last evaluated: 2018-01-13. Review status: criteria provided, single submitter. Criteria: ICSL Variant Classification Criteria 13 December 2019. Collection method: clinical testing. Allele origin: germline.
Comment: This variant was observed in the ICSL laboratory as part of a predisposition screen in an ostensibly healthy population. It had not been previously curated by ICSL or reported in the Human Gene Mutation Database (HGMD: prior to June 1st, 2018), and was therefore a candidate for classification through an automated scoring system. Utilizing variant allele frequency, disease prevalence and penetrance estimates, and inheritance mode, an automated score was calculated to assess if this variant is too frequent to cause the disease. Based on the score and internal cut-off values, a variant classified as benign is not then subjected to further curation. The score for this variant resulted in a classification of benign for this disease.

Natera, Inc.
Classification: Benign for Hermansky-Pudlak syndrome. Last evaluated: 2020-09-16. Review status: no assertion criteria provided. Collection method: clinical testing. Allele origin: germline. Not counted in ClinVar's aggregate classification.

NM_032383.5(HPS3):c.2196C>T (p.His732=)

Gene: HPS3 (HPS3 biogenesis of lysosomal organelles complex 2 subunit 1; plus strand). Cytogenetic location: 3q24.
Variant type: single nucleotide variant.
Coding change: c.2196C>T on transcript NM_032383.5 (MANE Select); coding-DNA position 2196, C replaced by T.
Protein change: p.His732=; no amino-acid change (histidine 732 retained).
Molecular consequence: synonymous variant.
Genome position (GRCh38, 1-based): chr3:149,162,237, C>T. VCF-style: chr3-149162237-C-T. GRCh37 (hg19) VCF-style: chr3-148880024-C-T.
Other names: c.1701C>T, p.His567= (NM_001308258.2).
Identifiers: ClinVar variation 763839 (VCV000763839.16), dbSNP rs148398659, ClinGen allele CA2660257.
Genomic context (GRCh38, chr3:149,162,237, plus strand): 5'-ACCTCGGCTGTTGATTCAACAGAGAAAGGGACAGATTGTTCCAACCGAGCTTGCACTTCA[C>T]TTGAAGGAAACTCAGCCTGGATTGCTTGTGGCTTCAGTTCTGGGCTTGCAGAAGAACAAC-3'
Protein context (NP_115759.2, residues 722-742): GQIVPTELAL[His732=]LKETQPGLLV